The following is an entry in ClinVar:

NM_013372.7(GREM1):c.68A>T (p.Glu23Val)

Gene: GREM1 (gremlin 1, DAN family BMP antagonist; plus strand). Cytogenetic location: 15q13.3.
Variant type: single nucleotide variant.
Coding change: c.68A>T on transcript NM_013372.7 (MANE Select); coding-DNA position 68, A replaced by T.
Protein change: p.Glu23Val; replaces glutamic acid 23 with valine.
Molecular consequence: missense variant. On other transcripts: intron variant (1).
Genome position (GRCh38, 1-based): chr15:32,730,758, A>T. VCF-style: chr15-32730758-A-T. GRCh37 (hg19) VCF-style: chr15-33022959-A-T.
Other names: c.68A>T, p.Glu23Val (NM_001191323.2, NM_001368719.1); c.27+41A>T (NM_001191322.2); short protein forms E23V.
Identifiers: ClinVar variation 1756049 (VCV001756049.2), dbSNP rs2055601512, ClinGen allele CA391557113.

ClinVar aggregate classification (germline): Uncertain significance (1 of 4 stars; one submission).

Conditions:
Hereditary cancer-predisposing syndrome. Also called: Neoplastic Syndromes, Hereditary; Tumor predisposition; Hereditary Cancer Syndrome; Hereditary neoplastic syndrome. Identifiers: Orphanet 140162, MedGen C0027672, MeSH D009386, MONDO:0015356.

Allele frequency attached by ClinVar (database versions not stated): gnomAD exomes below 0.00001; gnomAD 0.00001.
gnomAD v4.1: 3 of 1,610,932 alleles (0.00019%); highest among the groups gnomAD compares: South Asian, 0.0033%; no homozygotes.

Submission:

Ambry Genetics
Classification: Uncertain significance for Hereditary cancer-predisposing syndrome. Last evaluated: 2022-08-19. Review status: criteria provided, single submitter. Criteria: Ambry Variant Classification Scheme 2023. Collection method: clinical testing. Allele origin: germline.
Comment: The p.E23V variant (also known as c.68A>T), located in coding exon 1 of the GREM1 gene, results from an A to T substitution at nucleotide position 68. The glutamic acid at codon 23 is replaced by valine, an amino acid with dissimilar properties. This amino acid position is conserved. In addition, this alteration is predicted to be tolerated by in silico analysis. Since supporting evidence is limited at this time, the clinical significance of this alteration remains unclear.